The following is an entry in ClinVar:

ClinVar aggregate classification (germline): Likely benign. Review status: criteria provided, multiple submitters, no conflicts (2 of 4 stars). 3 submissions from 3 submitters: Likely benign (3). Last evaluated 2025-10-11.

Conditions:
Hypertrophic cardiomyopathy. Also called: HYPERTROPHIC MYOCARDIOPATHY. Identifiers: Orphanet 217569, MedGen C0007194, MeSH D002312, MONDO:0005045, HP:0001639.

Allele frequency attached by ClinVar (database versions not stated): gnomAD exomes below 0.00001 and 0.00002; ExAC 0.00001; gnomAD 0.00002 and 0.00003; TOPMed 0.00003.
gnomAD v4.1: 10 of 1,607,632 alleles (0.00062%); highest among the groups gnomAD compares: African/African-American, 0.0094%; no homozygotes.

Submissions (3):

Labcorp Genetics (formerly Invitae), Labcorp
Classification: Likely benign for Hypertrophic cardiomyopathy. Last evaluated: 2025-10-11. Review status: criteria provided, single submitter. Criteria: Invitae Variant Classification Sherloc (09022015). Collection method: clinical testing. Allele origin: germline.

Women's Health and Genetics/Laboratory Corporation of America, LabCorp
Classification: Likely benign. Last evaluated: 2021-03-01. Review status: criteria provided, single submitter. Criteria: LabCorp Variant Classification Summary - May 2015. Collection method: clinical testing. Allele origin: germline.
Comment: Variant summary: MYH7 c.3246-17T>A alters a conserved nucleotide located close to a canonical splice site and therefore could affect mRNA splicing, leading to a significantly altered protein sequence. 4/4 computational tools predict no significant impact on normal splicing. However, these predictions have yet to be confirmed by functional studies. The variant allele was found at a frequency of 1.6e-05 in 251250 control chromosomes. The available data on variant occurrences in the general population are insufficient to allow any conclusion about variant significance. To our knowledge, no occurrence of c.3246-17T>A in individuals affected with Cardiomyopathy and no experimental evidence demonstrating its impact on protein function have been reported. One clinical diagnostic laboratory has submitted clinical-significance assessments for this variant to ClinVar after 2014 without evidence for independent evaluation and classified the variant as likely benign. Based on the evidence outlined above, the variant was classified as likely benign.

GeneDx
Classification: Likely benign. Last evaluated: 2017-05-01. Review status: criteria provided, single submitter. Criteria: GeneDx Variant Classification (06012015). Collection method: clinical testing. Allele origin: germline. Affected: yes.
Comment: This variant is considered likely benign or benign based on one or more of the following criteria: it is a conservative change, it occurs at a poorly conserved position in the protein, it is predicted to be benign by multiple in silico algorithms, and/or has population frequency not consistent with disease.

NM_000257.4(MYH7):c.3246-17T>A

Gene: MYH7 (myosin heavy chain 7; minus strand). Cytogenetic location: 14q11.2.
Variant type: single nucleotide variant.
Coding change: c.3246-17T>A on transcript NM_000257.4 (MANE Select); 17 bases into the intron before coding-DNA position 3246, T replaced by A.
Molecular consequence: intron variant.
Genome position (GRCh38, 1-based): chr14:23,421,065, A>T on the plus strand (T>A on the coding strand, the complement: MYH7 is on the minus strand). VCF-style: chr14-23421065-A-T. GRCh37 (hg19) VCF-style: chr14-23890274-A-T.
Other names: c.3246-17T>A (LRG_384t1).
Identifiers: ClinVar variation 509248 (VCV000509248.9), dbSNP rs766164113, ClinGen allele CA036376.
Genomic context (GRCh38, chr14:23,421,065, plus strand): 5'-CATCCTCAATCCTTGCGTTGAGAGCATTCAGCTCAAAGTCTTTTCTGTGGGGAAGGAGGG[A>T]TGGTGAGGTAAGGGAGACTCGTGGGGCCTCAGGAGGGTCCACCAGTGGTTGAAAATGGTA-3'